The following is an entry in ClinVar:

ClinVar aggregate classification (germline): Uncertain significance. Review status: criteria provided, multiple submitters, no conflicts (2 of 4 stars). 2 submissions from 2 submitters: Uncertain significance (2). Last evaluated 2025-10-23.

Conditions:
Hereditary cancer-predisposing syndrome. Also called: Hereditary Cancer Syndrome; Hereditary neoplastic syndrome; Neoplastic Syndromes, Hereditary; Tumor predisposition. Identifiers: Orphanet 140162, MedGen C0027672, MeSH D009386, MONDO:0015356.

Allele frequency attached by ClinVar (database versions not stated): gnomAD exomes below 0.00001; TOPMed below 0.00001; gnomAD 0.00001.
gnomAD v4.1: 2 of 1,614,086 alleles (0.00012%); highest among the groups gnomAD compares: Admixed American, 0.0017%; no homozygotes.

Submissions (2):

Labcorp Genetics (formerly Invitae), Labcorp
Classification: Uncertain significance. Last evaluated: 2025-10-23. Review status: criteria provided, single submitter. Criteria: Invitae Variant Classification Sherloc (09022015). Collection method: clinical testing. Allele origin: germline.
Comment: This sequence change replaces histidine, which is basic and polar, with tyrosine, which is neutral and polar, at codon 1454 of the POLE protein (p.His1454Tyr). This variant is present in population databases (no rsID available, gnomAD 0.007%). This variant has not been reported in the literature in individuals affected with POLE-related conditions. ClinVar contains an entry for this variant (Variation ID: 405772). Invitae Evidence Modeling of protein sequence and biophysical properties (such as structural, functional, and spatial information, amino acid conservation, physicochemical variation, residue mobility, and thermodynamic stability) indicates that this missense variant is not expected to disrupt POLE protein function with a negative predictive value of 80%. In summary, the available evidence is currently insufficient to determine the role of this variant in disease. Therefore, it has been classified as a Variant of Uncertain Significance.

Ambry Genetics
Classification: Uncertain significance for Hereditary cancer-predisposing syndrome. Last evaluated: 2024-03-29. Review status: criteria provided, single submitter. Criteria: Ambry Variant Classification Scheme 2023. Collection method: clinical testing. Allele origin: germline.
Comment: The p.H1454Y variant (also known as c.4360C>T), located in coding exon 34 of the POLE gene, results from a C to T substitution at nucleotide position 4360. The histidine at codon 1454 is replaced by tyrosine, an amino acid with similar properties. This amino acid position is conserved. In addition, this alteration is predicted to be tolerated by in silico analysis. Based on the available evidence, the clinical significance of this alteration remains unclear.

NM_006231.4(POLE):c.4360C>T (p.His1454Tyr)

Gene: POLE (DNA polymerase epsilon, catalytic subunit; minus strand). Cytogenetic location: 12q24.33.
Variant type: single nucleotide variant.
Coding change: c.4360C>T on transcript NM_006231.4 (MANE Select); coding-DNA position 4360, C replaced by T.
Protein change: p.His1454Tyr; replaces histidine 1454 with tyrosine.
Molecular consequence: missense variant.
Genome position (GRCh38, 1-based): chr12:132,643,491, G>A on the plus strand (C>T on the coding strand, the complement: POLE is on the minus strand). VCF-style: chr12-132643491-G-A. GRCh37 (hg19) VCF-style: chr12-133220077-G-A.
Other names: c.4360C>T (NM_006231.2); short protein forms H1454Y.
Identifiers: ClinVar variation 405772 (VCV000405772.11), dbSNP rs1060500842, ClinGen allele CA16613850.
Genomic context (GRCh38, chr12:132,643,491, plus strand): 5'-CCAGAGAGCGCATCTCCAGGTGCTCAAGAGCAAAGGTCTCTGCTTCCCAGCCTGAAAGGT[G>A]CCTCACCAGCTGTTTATTGACCACACACACACAGCCCAGGTGCACCAGGGCCCGGAACAG-3'
Protein context (NP_006222.2, residues 1444-1464): VCVVNKQLVR[His1454Tyr]LSGWEAETFA